The following is an entry in ClinVar:

ClinVar aggregate classification (germline): Uncertain significance (1 of 4 stars; one submission).

Submission:

Labcorp Genetics (formerly Invitae), Labcorp
Classification: Uncertain significance. Last evaluated: 2025-04-09. Review status: criteria provided, single submitter. Criteria: Invitae Variant Classification Sherloc (09022015). Collection method: clinical testing. Allele origin: germline.
Comment: This sequence change replaces aspartic acid, which is acidic and polar, with asparagine, which is neutral and polar, at codon 31 of the TUBB1 protein (p.Asp31Asn). This variant is not present in population databases (gnomAD no frequency). This variant has not been reported in the literature in individuals affected with TUBB1-related conditions. Invitae Evidence Modeling of protein sequence and biophysical properties (such as structural, functional, and spatial information, amino acid conservation, physicochemical variation, residue mobility, and thermodynamic stability) indicates that this missense variant is not expected to disrupt TUBB1 protein function with a negative predictive value of 80%. In summary, the available evidence is currently insufficient to determine the role of this variant in disease. Therefore, it has been classified as a Variant of Uncertain Significance.

NM_030773.4(TUBB1):c.91G>A (p.Asp31Asn)

Gene: TUBB1 (tubulin beta 1 class VI; plus strand). Cytogenetic location: 20q13.32.
Variant type: single nucleotide variant.
Coding change: c.91G>A on transcript NM_030773.4 (MANE Select); coding-DNA position 91, G replaced by A.
Protein change: p.Asp31Asn; replaces aspartic acid 31 with asparagine.
Molecular consequence: missense variant.
Genome position (GRCh38, 1-based): chr20:59,022,878, G>A. VCF-style: chr20-59022878-G-A. GRCh37 (hg19) VCF-style: chr20-57597933-G-A.
Other names: short protein forms D31N.
Identifiers: ClinVar variation 4716601 (VCV004716601.1).